The following is an entry in ClinVar:

NC_000015.10:g.48717160G>T

Gene: CEP152 (centrosomal protein 152; minus strand). Cytogenetic location: 15q21.1.
Variant type: single nucleotide variant.
Genome position: GRCh38 VCF-style: chr15-48717160-G-T. GRCh37 (hg19) VCF-style: chr15-49009357-G-T.
Identifiers: ClinVar variation 2645316 (VCV002645316.24), dbSNP rs145377591, ClinGen allele CA7547960.
Genomic context (GRCh38, chr15:48,717,160, plus strand): 5'-TGCCATGGGTATCAGGTTTATCCTTGTGTCCTCTTGGGTGAGTTATCTTTCTGAGACTTA[G>T]CTTCTTCACCTGCAAAATGGGGAAAGTGAACTAACAGGTCTTTAACCATTTTTTTTTTTT-3'

ClinVar aggregate classification (germline): Likely benign (1 of 4 stars; one submission).

Allele frequency attached by ClinVar (database versions not stated): 1000 Genomes Project 0.00280; 1000 Genomes Project 30x 0.00297; ExAC 0.00558.

Submission:

CeGaT Center for Human Genetics Tuebingen
Classification: Likely benign. Last evaluated: 2023-06-01. Review status: criteria provided, single submitter. Criteria: CeGaT Center For Human Genetics Tuebingen Variant Classification Criteria Version 2. Collection method: clinical testing. Allele origin: germline. Affected: yes. Observed: 5 variant alleles.
Comment: CEP152: BS2